The following is an entry in ClinVar:

NM_014991.6(WDFY3):c.10102C>G (p.His3368Asp)

Gene: WDFY3 (WD repeat and FYVE domain containing 3; minus strand). Cytogenetic location: 4q21.23.
Variant type: single nucleotide variant.
Coding change: c.10102C>G on transcript NM_014991.6 (MANE Select); coding-DNA position 10102, C replaced by G.
Protein change: p.His3368Asp; replaces histidine 3368 with aspartic acid.
Molecular consequence: missense variant.
Genome position (GRCh38, 1-based): chr4:84,678,964, G>C on the plus strand (C>G on the coding strand, the complement: WDFY3 is on the minus strand). VCF-style: chr4-84678964-G-C. GRCh37 (hg19) VCF-style: chr4-85600117-G-C.
Other names: short protein forms H3368D.
Identifiers: ClinVar variation 1695455 (VCV001695455.2), dbSNP rs776288995, ClinGen allele CA2992024.

ClinVar aggregate classification (germline): Uncertain significance (1 of 4 stars; one submission).

Allele frequency attached by ClinVar (database versions not stated): gnomAD exomes below 0.00001; ExAC 0.00001.
gnomAD v4.1: 3 of 1,614,178 alleles (0.00019%); highest among the groups gnomAD compares: Non-Finnish European, 0.00025%; no homozygotes.

Submission:

GeneDx
Classification: Uncertain significance. Last evaluated: 2022-01-06. Review status: criteria provided, single submitter. Criteria: GeneDx Variant Classification Process June 2021. Collection method: clinical testing. Allele origin: germline. Affected: yes.
Comment: Not observed at significant frequency in large population cohorts (gnomAD); In silico analysis supports that this missense variant does not alter protein structure/function; Has not been previously published as pathogenic or benign to our knowledge